The following is an entry in ClinVar:

NM_000038.6(APC):c.740A>C (p.Gln247Pro)

Gene: APC (APC regulator of Wnt signaling pathway; plus strand). Cytogenetic location: 5q22.2.
Variant type: single nucleotide variant.
Coding change: c.740A>C on transcript NM_000038.6 (MANE Select); coding-DNA position 740, A replaced by C.
Protein change: p.Gln247Pro; replaces glutamine 247 with proline.
Molecular consequence: missense variant. On other transcripts: 5 prime UTR variant (4), non-coding transcript variant (2).
Genome position (GRCh38, 1-based): chr5:112,801,289, A>C. VCF-style: chr5-112801289-A-C. GRCh37 (hg19) VCF-style: chr5-112136986-A-C.
Other names: c.740A>C, p.Gln247Pro (NM_001127510.3, NM_001354895.2, NM_001354896.2 and 12 more transcripts); c.686A>C, p.Gln229Pro (NM_001127511.3); c.770A>C, p.Gln257Pro (NM_001354897.2, NM_001354902.2, NM_001407446.1); c.665A>C, p.Gln222Pro (NM_001354898.2, NM_001354904.2, NM_001407451.1); c.656A>C, p.Gln219Pro (NM_001354899.2, NM_001407452.1, NM_001407467.1 and 1 more transcripts); c.563A>C, p.Gln188Pro (NM_001354900.2, NM_001354901.2, NM_001354905.2 and 1 more transcripts); c.-296A>C (NM_001354906.2, NM_001407470.1, NM_001407471.1 and 1 more transcripts); short protein forms Q229P, Q247P, Q188P, Q222P, Q257P, Q219P.
Identifiers: ClinVar variation 2698476 (VCV002698476.3), dbSNP rs2149711384, ClinGen allele CA16022947.
Genomic context (GRCh38, chr5:112,801,289, plus strand): 5'-GAAAGCCTACACCATTTTTGCATGTACTGATGTTAACTCCATCTTAACAGAGGTCATCTC[A>C]GAACAAGCATGAAACCGGCTCACATGATGCTGAGCGGCAGAATGAAGGTCAAGGAGTGGG-3'
Protein context (NP_000029.2, residues 237-257): SQATEAERSS[Gln247Pro]NKHETGSHDA

ClinVar aggregate classification (germline): Uncertain significance (1 of 4 stars; one submission).

Conditions:
Familial adenomatous polyposis 1 (FAP1). Also called: FAMILIAL ADENOMATOUS POLYPOSIS 1, ATTENUATED; POLYPOSIS, ADENOMATOUS INTESTINAL. Identifiers: MedGen C2713442, MONDO:0021056, OMIM 175100. Disease mechanism: loss of function.

Submission:

Labcorp Genetics (formerly Invitae), Labcorp
Classification: Uncertain significance for Familial adenomatous polyposis 1. Last evaluated: 2023-11-24. Review status: criteria provided, single submitter. Criteria: Invitae Variant Classification Sherloc (09022015). Collection method: clinical testing. Allele origin: germline.
Comment: This sequence change replaces glutamine, which is neutral and polar, with proline, which is neutral and non-polar, at codon 247 of the APC protein (p.Gln247Pro). This variant is not present in population databases (gnomAD no frequency). This variant has not been reported in the literature in individuals affected with APC-related conditions. Advanced modeling of protein sequence and biophysical properties (such as structural, functional, and spatial information, amino acid conservation, physicochemical variation, residue mobility, and thermodynamic stability) performed at Invitae indicates that this missense variant is not expected to disrupt APC protein function with a negative predictive value of 95%. In summary, the available evidence is currently insufficient to determine the role of this variant in disease. Therefore, it has been classified as a Variant of Uncertain Significance.